The following is an entry in ClinVar:

ClinVar aggregate classification (germline): Benign/Likely benign. Review status: criteria provided, multiple submitters, no conflicts (2 of 4 stars). 2 submissions from 2 submitters: Benign (1); Likely benign (1). Last evaluated 2025-04-09.

Conditions:
Hereditary cancer-predisposing syndrome. Also called: Hereditary Cancer Syndrome; Neoplastic Syndromes, Hereditary; Tumor predisposition; Hereditary neoplastic syndrome. Identifiers: Orphanet 140162, MedGen C0027672, MeSH D009386, MONDO:0015356.
Tuberous sclerosis 1 (TSC1). Identifiers: Orphanet 805, MedGen C1854465, MONDO:0008612, OMIM 191100.

Submissions (2):

Myriad Genetics, Inc.
Classification: Benign for Tuberous sclerosis 1. Last evaluated: 2025-04-09. Review status: criteria provided, single submitter. Criteria: Myriad Autosomal Dominant, Autosomal Recessive and X-Linked Classification Criteria (2023). Collection method: clinical testing. Allele origin: unknown.
Comment: This variant is considered benign. This variant is a silent/synonymous amino acid change and it is not expected to impact splicing.

Ambry Genetics
Classification: Likely benign for Hereditary cancer-predisposing syndrome. Last evaluated: 2025-02-07. Review status: criteria provided, single submitter. Criteria: Ambry Variant Classification Scheme 2023. Collection method: clinical testing. Allele origin: germline.

NM_000368.5(TSC1):c.1239G>A (p.Gln413=)

Gene: TSC1 (TSC complex subunit 1; minus strand). Cytogenetic location: 9q34.13.
Variant type: single nucleotide variant.
Coding change: c.1239G>A on transcript NM_000368.5 (MANE Select); coding-DNA position 1239, G replaced by A.
Protein change: p.Gln413=; no amino-acid change (glutamine 413 retained).
Molecular consequence: synonymous variant.
Genome position (GRCh38, 1-based): chr9:132,910,595, C>T on the plus strand (G>A on the coding strand, the complement: TSC1 is on the minus strand). VCF-style: chr9-132910595-C-T. GRCh37 (hg19) VCF-style: chr9-135785982-C-T.
Other names: c.1236G>A, p.Gln412= (NM_001162426.2); c.1086G>A, p.Gln362= (NM_001162427.2); c.876G>A, p.Gln292= (NM_001362177.2).
Identifiers: ClinVar variation 187413 (VCV000187413.5), dbSNP rs786203715, ClinGen allele CA004509.